The following is an entry in ClinVar:

NM_145038.5(DRC1):c.674T>A (p.Ile225Asn)

Gene: DRC1 (dynein regulatory complex subunit 1; plus strand). Cytogenetic location: 2p23.3.
Variant type: single nucleotide variant.
Coding change: c.674T>A on transcript NM_145038.5 (MANE Select); coding-DNA position 674, T replaced by A.
Protein change: p.Ile225Asn; replaces isoleucine 225 with asparagine.
Molecular consequence: missense variant.
Genome position (GRCh38, 1-based): chr2:26,429,761, T>A. VCF-style: chr2-26429761-T-A. GRCh37 (hg19) VCF-style: chr2-26652629-T-A.
Other names: short protein forms I225N.
Identifiers: ClinVar variation 2148898 (VCV002148898.4), dbSNP rs756459461, ClinGen allele CA44393265.

ClinVar aggregate classification (germline): Uncertain significance (1 of 4 stars; one submission).

Conditions:
Primary ciliary dyskinesia. Also called: Ciliary dyskinesia. Identifiers: Orphanet 244, MedGen C0008780, MONDO:0016575, HP:0012265.

gnomAD v4.1: 5 of 1,614,004 alleles (0.00031%); highest among the groups gnomAD compares: East Asian, 0.0022%; no homozygotes.

Submission:

Labcorp Genetics (formerly Invitae), Labcorp
Classification: Uncertain significance for Primary ciliary dyskinesia. Last evaluated: 2022-10-03. Review status: criteria provided, single submitter. Criteria: Invitae Variant Classification Sherloc (09022015). Collection method: clinical testing. Allele origin: germline.
Comment: In summary, the available evidence is currently insufficient to determine the role of this variant in disease. Therefore, it has been classified as a Variant of Uncertain Significance. Algorithms developed to predict the effect of missense changes on protein structure and function (SIFT, PolyPhen-2, Align-GVGD) all suggest that this variant is likely to be disruptive. This variant has not been reported in the literature in individuals affected with DRC1-related conditions. This variant is not present in population databases (gnomAD no frequency). This sequence change replaces isoleucine, which is neutral and non-polar, with asparagine, which is neutral and polar, at codon 225 of the DRC1 protein (p.Ile225Asn).